The following is an entry in ClinVar:

NM_014314.4(RIGI):c.68_85del (p.Thr23_Tyr28del)

Genes: RIGI (RNA sensor RIG-I; minus strand), LOC130001628 (ATAC-STARR-seq lymphoblastoid active region 28262; plus strand). Cytogenetic location: 9p21.1.
Variant type: Deletion.
Coding change: c.68_85del on transcript NM_014314.4 (MANE Select); coding-DNA positions 68 to 85, 18 bases deleted (CCTACATCCTGAGCTACA).
Protein change: p.Thr23_Tyr28del.
Molecular consequence: inframe deletion. On other transcripts: 5 prime UTR variant (3).
Genome position (GRCh38, 1-based): chr9:32,526,082-32,526,099, TGTAGCTCAGGATGTAGG deleted on the plus strand (CCTACATCCTGAGCTACA on the coding strand, the reverse complement: RIGI is on the minus strand); deleting any 18 consecutive bases within chr9:32,526,082-32,526,100 gives the same sequence; the c. name uses the placement nearest the transcript's 3' end. VCF-style (leftmost placement, unchanged base first): chr9-32526081-ATGTAGCTCAGGATGTAGG-A. GRCh37 (hg19) VCF-style: chr9-32526079-ATGTAGCTCAGGATGTAGG-A.
Other names: c.68_85del, p.Thr23_Tyr28del (NM_001385907.1, NM_001385909.1, NM_001385913.1); c.-387_-370del (NM_001385910.1, NM_001385914.1); c.-394_-377del (NM_001385912.1).
Identifiers: ClinVar variation 2165316 (VCV002165316.4), dbSNP rs1196467692, ClinGen allele CA587153538.

ClinVar aggregate classification (germline): Uncertain significance (1 of 4 stars; one submission).

Submission:

Labcorp Genetics (formerly Invitae), Labcorp
Classification: Uncertain significance. Last evaluated: 2021-12-30. Review status: criteria provided, single submitter. Criteria: Invitae Variant Classification Sherloc (09022015). Collection method: clinical testing. Allele origin: germline.
Comment: This variant is present in population databases (no rsID available, gnomAD 0.0009%). This variant has not been reported in the literature in individuals affected with DDX58-related conditions. Experimental studies and prediction algorithms are not available or were not evaluated, and the functional significance of this variant is currently unknown. In summary, the available evidence is currently insufficient to determine the role of this variant in disease. Therefore, it has been classified as a Variant of Uncertain Significance. This variant, c.68_85del, results in the deletion of 6 amino acid(s) of the DDX58 protein (p.Thr23_Tyr28del), but otherwise preserves the integrity of the reading frame.